The following is an entry in ClinVar:

ClinVar aggregate classification (germline): Uncertain significance (1 of 4 stars; one submission).

Conditions:
Familial adenomatous polyposis 2. Also called: MUTYH-associated polyposis; MUTYH-related attenuated familial adenomatous polyposis; COLORECTAL ADENOMATOUS POLYPOSIS, AUTOSOMAL RECESSIVE; ADENOMAS, MULTIPLE COLORECTAL, AUTOSOMAL RECESSIVE; MYH-associated polyposis; MUTYH Polyposis. Identifiers: Orphanet 220460, Orphanet 247798, MedGen C3272841, MONDO:0012041, OMIM 608456.

Submission:

Labcorp Genetics (formerly Invitae), Labcorp
Classification: Uncertain significance for Familial adenomatous polyposis 2. Last evaluated: 2024-12-27. Review status: criteria provided, single submitter. Criteria: Invitae Variant Classification Sherloc (09022015). Collection method: clinical testing. Allele origin: germline.
Comment: This sequence change replaces leucine, which is neutral and non-polar, with proline, which is neutral and non-polar, at codon 377 of the MUTYH protein (p.Leu377Pro). This variant is not present in population databases (gnomAD no frequency). This variant has not been reported in the literature in individuals affected with MUTYH-related conditions. An algorithm developed to predict the effect of missense changes on protein structure and function (PolyPhen-2) suggests that this variant is likely to be disruptive. In summary, the available evidence is currently insufficient to determine the role of this variant in disease. Therefore, it has been classified as a Variant of Uncertain Significance.

NM_001048174.2(MUTYH):c.1046T>C (p.Leu349Pro)

Gene: MUTYH (mutY DNA glycosylase; minus strand). Cytogenetic location: 1p34.1.
Variant type: single nucleotide variant.
Coding change: c.1046T>C on transcript NM_001048174.2 (MANE Select); coding-DNA position 1046, T replaced by C.
Protein change: p.Leu349Pro; replaces leucine 349 with proline.
Molecular consequence: missense variant. On other transcripts: non-coding transcript variant (7).
Genome position (GRCh38, 1-based): chr1:45,331,717, A>G on the plus strand (T>C on the coding strand, the complement: MUTYH is on the minus strand). VCF-style: chr1-45331717-A-G. GRCh37 (hg19) VCF-style: chr1-45797389-A-G.
Other names: c.1049T>C, p.Leu350Pro (NM_001407071.1, NM_001048172.2, NM_001407078.1 and 1 more transcripts); c.1046T>C, p.Leu349Pro (NM_001407072.1, NM_001407073.1, NM_001407088.1 and 6 more transcripts); c.1067T>C, p.Leu356Pro (NM_001407087.1); c.770T>C, p.Leu257Pro (NM_001407091.1, NM_001293192.2, NM_001293196.2); c.1121T>C, p.Leu374Pro (NM_012222.3); c.1130T>C, p.Leu377Pro (NM_001128425.2); c.1091T>C, p.Leu364Pro (NM_001293190.2); c.1079T>C, p.Leu360Pro (NM_001293191.2, NM_001407077.1, NM_001407069.1); and 5 more; short protein forms L321P, L349P, L335P, L336P, L363P, L364P, L356P, L360P.
Identifiers: ClinVar variation 3728086 (VCV003728086.2).
Genomic context (GRCh38, chr1:45,331,717, plus strand): 5'-GTACCTGAGTTGGGCCTCTGCACCAGCAGAATTTGGGCCCCAAGGGCCCCAGGCTGTTCC[A>G]GAACACAGGTGGCAGAGCTCTCCTCCCTGGGGGGCTTGCGGCTGGCCTTTCTGGGGAAGT-3'
Protein context (NP_001041639.1, residues 339-359): PREESSATCV[Leu349Pro]EQPGALGAQI